The following is an entry in ClinVar:

ClinVar aggregate classification (germline): Conflicting classifications of pathogenicity. Review status: criteria provided, conflicting classifications (1 of 4 stars). 5 submissions from 5 submitters: Uncertain significance (4); Likely benign (1). Last evaluated 2026-04-07.

Conditions:
HARS1-related disorder. Also called: HARS1-related condition.
Usher syndrome type 3B. Also called: USHER SYNDROME, TYPE IIIB. Identifiers: MedGen C3281066, MONDO:0013788, OMIM 614504.

Allele frequency attached by ClinVar (database versions not stated): gnomAD exomes 0.00002; gnomAD 0.00013 and 0.00014; TOPMed 0.00031.
gnomAD v4.1: 36 of 1,614,028 alleles (0.0022%); highest among the groups gnomAD compares: Admixed American, 0.043%; no homozygotes.

Submissions (5):

PreventionGenetics, part of Exact Sciences
Classification: Uncertain significance for HARS1-related condition. Last evaluated: 2026-04-07. Review status: criteria provided, single submitter. Criteria: ACMG Guidelines, 2015. Collection method: clinical testing. Allele origin: germline.
Comment: The HARS1 c.1372G>A variant is predicted to result in the amino acid substitution p.Ala458Thr. To our knowledge, this variant has not been reported in the literature. This variant is reported in 0.0029% of alleles in individuals of Latino descent in gnomAD. At this time, the clinical significance of this variant is uncertain due to the absence of conclusive functional and genetic evidence.

Labcorp Genetics (formerly Invitae), Labcorp
Classification: Uncertain significance for Usher syndrome type 3B. Last evaluated: 2025-12-31. Review status: criteria provided, single submitter. Criteria: Invitae Variant Classification Sherloc (09022015). Collection method: clinical testing. Allele origin: germline.
Comment: This sequence change replaces alanine, which is neutral and non-polar, with threonine, which is neutral and polar, at codon 458 of the HARS protein (p.Ala458Thr). This variant is present in population databases (no rsID available, gnomAD 0.003%). This variant has not been reported in the literature in individuals affected with HARS-related conditions. ClinVar contains an entry for this variant (Variation ID: 578537). Invitae Evidence Modeling of protein sequence and biophysical properties (such as structural, functional, and spatial information, amino acid conservation, physicochemical variation, residue mobility, and thermodynamic stability) indicates that this missense variant is not expected to disrupt HARS protein function with a negative predictive value of 80%. In summary, the available evidence is currently insufficient to determine the role of this variant in disease. Therefore, it has been classified as a Variant of Uncertain Significance.

GeneDx
Classification: Uncertain significance. Last evaluated: 2023-11-02. Review status: criteria provided, single submitter. Criteria: GeneDx Variant Classification Process June 2021. Collection method: clinical testing. Allele origin: germline. Affected: yes.
Comment: In silico analysis supports that this missense variant does not alter protein structure/function; Has not been previously published as pathogenic or benign to our knowledge

Blueprint Genetics
Classification: Uncertain significance. Last evaluated: 2022-09-30. Review status: criteria provided, single submitter. Criteria: ACMG Guidelines, 2015. Collection method: clinical testing. Allele origin: germline.

Laboratory for Molecular Medicine, Mass General Brigham Personalized Medicine
Classification: Likely benign. Last evaluated: 2018-05-01. Review status: criteria provided, single submitter. Criteria: LMM Criteria. Collection method: clinical testing. Allele origin: germline. Observed: 2 variant alleles.
Comment: p.Ala458Thr in exon 12 of HARS: This variant is classified as likely benign and it is not expected to have clinical significance due to a lack of conservation a cross species, including mammals. Of note, over ten mammals have a threonine at this position despite high nearby amino acid conservation. In addition, computat ional prediction tools do not suggest a high likelihood of impact to the protein . This variant has been identified in 1/33580 Latino chromosomes by the Genome A ggregation Database (gnomAD; dbSNP rs891844407 ). ACMG/AMP Criteria applied: PM2, BP4_Strong

NM_002109.6(HARS1):c.1372G>A (p.Ala458Thr)

Gene: HARS1 (histidyl-tRNA synthetase 1; minus strand). Cytogenetic location: 5q31.3.
Variant type: single nucleotide variant.
Coding change: c.1372G>A on transcript NM_002109.6 (MANE Select); coding-DNA position 1372, G replaced by A.
Protein change: p.Ala458Thr; replaces alanine 458 with threonine.
Molecular consequence: missense variant.
Genome position (GRCh38, 1-based): chr5:140,674,765, C>T on the plus strand (G>A on the coding strand, the complement: HARS1 is on the minus strand). VCF-style: chr5-140674765-C-T. GRCh37 (hg19) VCF-style: chr5-140054350-C-T.
Other names: c.1252G>A, p.Ala418Thr (NM_001258040.3); c.1312G>A, p.Ala438Thr (NM_001258041.3); c.1192G>A, p.Ala398Thr (NM_001258042.3); c.1150G>A, p.Ala384Thr (NM_001289092.2); c.1030G>A, p.Ala344Thr (NM_001289093.2); c.1285G>A, p.Ala429Thr (NM_001289094.2); short protein forms A458T, A398T, A344T, A418T, A438T, A384T, A429T.
Identifiers: ClinVar variation 578537 (VCV000578537.17), dbSNP rs891844407, ClinGen allele CA128376664.